The following is an entry in ClinVar:

NM_144997.7(FLCN):c.188C>A (p.Pro63His)

Gene: FLCN (folliculin; minus strand). Cytogenetic location: 17p11.2.
Variant type: single nucleotide variant.
Coding change: c.188C>A on transcript NM_144997.7 (MANE Select); coding-DNA position 188, C replaced by A.
Protein change: p.Pro63His; replaces proline 63 with histidine.
Molecular consequence: missense variant.
Genome position (GRCh38, 1-based): chr17:17,227,950, G>T on the plus strand (C>A on the coding strand, the complement: FLCN is on the minus strand). VCF-style: chr17-17227950-G-T. GRCh37 (hg19) VCF-style: chr17-17131264-G-T.
Other names: c.188C>A, p.Pro63His (NM_001353229.2, NM_001353230.2, NM_001353231.2 and 1 more transcripts); short protein forms P63H.
Identifiers: ClinVar variation 1782036 (VCV001782036.2), dbSNP rs2145042161, ClinGen allele CA398535140.

ClinVar aggregate classification (germline): Uncertain significance (1 of 4 stars; one submission).

Conditions:
Hereditary cancer-predisposing syndrome. Also called: Neoplastic Syndromes, Hereditary; Tumor predisposition; Hereditary Cancer Syndrome; Hereditary neoplastic syndrome. Identifiers: Orphanet 140162, MedGen C0027672, MeSH D009386, MONDO:0015356.

Submission:

Ambry Genetics
Classification: Uncertain significance for Hereditary cancer-predisposing syndrome. Last evaluated: 2022-09-20. Review status: criteria provided, single submitter. Criteria: Ambry Variant Classification Scheme 2023. Collection method: clinical testing. Allele origin: germline.
Comment: The p.P63H variant (also known as c.188C>A), located in coding exon 1 of the FLCN gene, results from a C to A substitution at nucleotide position 188. The proline at codon 63 is replaced by histidine, an amino acid with similar properties. This amino acid position is conserved. In addition, the in silico prediction for this alteration is inconclusive. Since supporting evidence is limited at this time, the clinical significance of this alteration remains unclear.